The following is an entry in ClinVar:

NM_005732.4(RAD50):c.3872del (p.Lys1291fs)

Genes: RAD50 (RAD50 double strand break repair protein; plus strand), TH2LCRR (T helper type 2 locus control region associated RNA; minus strand). Cytogenetic location: 5q31.1.
Variant type: Deletion.
Coding change: c.3872del on transcript NM_005732.4 (MANE Select); coding-DNA position 3872, one base deleted (A; older notation c.3872delA).
Protein change: p.Lys1291fs; shifts the reading frame from lysine 1291.
Molecular consequence: frameshift variant.
Genome position (GRCh38, 1-based): chr5:132,642,297, A deleted; the last of 5 consecutive A bases (chr5:132,642,293-132,642,297); deleting any one gives the same sequence. VCF-style (leftmost placement, unchanged base first): chr5-132642292-TA-T. GRCh37 (hg19) VCF-style: chr5-131977984-TA-T.
Other names: short protein forms K1291fs.
Identifiers: ClinVar variation 2020096 (VCV002020096.4), dbSNP rs1581025123, ClinGen allele CA2580072807.
Genomic context (GRCh38, chr5:132,642,292, plus strand): 5'-TGATGAAGATTTTGTGGAGCTTTTAGGACGTTCTGAATATGTGGAGAAATTCTACAGGAT[TA>T]AAAAGAACATCGATCAGTGCTCAGAGATTGTGAAATGCAGTGTTAGCTCCCTGGGATTCA-3'

ClinVar aggregate classification (germline): Uncertain significance (1 of 4 stars; one submission).

Conditions:
Hereditary cancer-predisposing syndrome. Also called: Neoplastic Syndromes, Hereditary; Tumor predisposition; Hereditary Cancer Syndrome; Hereditary neoplastic syndrome. Identifiers: Orphanet 140162, MedGen C0027672, MeSH D009386, MONDO:0015356.

Submission:

Labcorp Genetics (formerly Invitae), Labcorp
Classification: Uncertain significance for Hereditary cancer-predisposing syndrome. Last evaluated: 2022-07-29. Review status: criteria provided, single submitter. Criteria: Invitae Variant Classification Sherloc (09022015). Collection method: clinical testing. Allele origin: germline.
Comment: This variant has not been reported in the literature in individuals affected with RAD50-related conditions. Experimental studies and prediction algorithms are not available or were not evaluated, and the functional significance of this variant is currently unknown. In summary, the available evidence is currently insufficient to determine the role of this variant in disease. Therefore, it has been classified as a Variant of Uncertain Significance. This variant is not present in population databases (gnomAD no frequency). This sequence change creates a premature translational stop signal (p.Lys1291Argfs*10) in the RAD50 gene. While this is not anticipated to result in nonsense mediated decay, it is expected to disrupt the last 22 amino acid(s) of the RAD50 protein.